The following is an entry in ClinVar:

ClinVar aggregate classification (germline): Uncertain significance. Review status: criteria provided, multiple submitters, no conflicts (2 of 4 stars). 2 submissions from 2 submitters: Uncertain significance (2). Last evaluated 2024-10-08.

Conditions:
Hereditary cancer-predisposing syndrome. Also called: Neoplastic Syndromes, Hereditary; Tumor predisposition; Hereditary Cancer Syndrome; Hereditary neoplastic syndrome. Identifiers: Orphanet 140162, MedGen C0027672, MeSH D009386, MONDO:0015356.
Pheochromocytoma. Also called: MAX-Related Hereditary Paraganglioma-Pheochromocytoma Syndrome. Identifiers: Orphanet 29072, MedGen C0031511, MONDO:0008233, OMIM 171300, HP:0002666.
Carney-Stratakis syndrome. Also called: PARAGANGLIOMA AND GASTROINTESTINAL STROMAL TUMOR. Identifiers: Orphanet 97286, MedGen C1847319, MONDO:0011740, OMIM 606864.
Cowden syndrome 3 (CWS3). Identifiers: Orphanet 201, MedGen CN166604, MONDO:0014045.
Paragangliomas with sensorineural hearing loss. Identifiers: MedGen C1868633.

Submissions (2):

Labcorp Genetics (formerly Invitae), Labcorp
Classification: Uncertain significance for Carney-Stratakis syndrome; Paragangliomas with sensorineural hearing loss; Pheochromocytoma; Cowden syndrome 3. Last evaluated: 2024-10-08. Review status: criteria provided, single submitter. Criteria: Invitae Variant Classification Sherloc (09022015). Collection method: clinical testing. Allele origin: germline.
Comment: This sequence change replaces valine, which is neutral and non-polar, with isoleucine, which is neutral and non-polar, at codon 74 of the SDHD protein (p.Val74Ile). This variant is not present in population databases (gnomAD no frequency). This variant has not been reported in the literature in individuals affected with SDHD-related conditions. ClinVar contains an entry for this variant (Variation ID: 1787744). Invitae Evidence Modeling of protein sequence and biophysical properties (such as structural, functional, and spatial information, amino acid conservation, physicochemical variation, residue mobility, and thermodynamic stability) indicates that this missense variant is not expected to disrupt SDHD protein function with a negative predictive value of 95%. In summary, the available evidence is currently insufficient to determine the role of this variant in disease. Therefore, it has been classified as a Variant of Uncertain Significance.

Ambry Genetics
Classification: Uncertain significance for Hereditary cancer-predisposing syndrome. Last evaluated: 2022-10-20. Review status: criteria provided, single submitter. Criteria: Ambry Variant Classification Scheme 2023. Collection method: clinical testing. Allele origin: germline.
Comment: The p.V74I variant (also known as c.220G>A), located in coding exon 3 of the SDHD gene, results from a G to A substitution at nucleotide position 220. The valine at codon 74 is replaced by isoleucine, an amino acid with highly similar properties. This amino acid position is conserved. In addition, the in silico prediction for this alteration is inconclusive. Since supporting evidence is limited at this time, the clinical significance of this alteration remains unclear.

NM_003002.4(SDHD):c.220G>A (p.Val74Ile)

Gene: SDHD (succinate dehydrogenase complex subunit D; plus strand). Cytogenetic location: 11q23.1.
Variant type: single nucleotide variant.
Coding change: c.220G>A on transcript NM_003002.4 (MANE Select); coding-DNA position 220, G replaced by A.
Protein change: p.Val74Ile; replaces valine 74 with isoleucine.
Molecular consequence: missense variant. On other transcripts: non-coding transcript variant (1), intron variant (1).
Genome position (GRCh38, 1-based): chr11:112,088,917, G>A. VCF-style: chr11-112088917-G-A. GRCh37 (hg19) VCF-style: chr11-111959641-G-A.
Other names: c.103G>A, p.Val35Ile (NM_001276504.2); c.220G>A, p.Val74Ile (NM_001276506.2); c.169+944G>A (NM_001276503.2); short protein forms V74I, V35I.
Identifiers: ClinVar variation 1787744 (VCV001787744.5), dbSNP rs2498904761, ClinGen allele CA382617255.
Genomic context (GRCh38, chr11:112,088,917, plus strand): 5'-CTTTTTGTAGCTGGCTCCAAGGCTGCATCTCTCCACTGGACTAGCGAGAGGGTTGTCAGT[G>A]TTTTGCTCCTGGGTCTGCTTCCGGCTGCTTATTTGAATCCTTGCTCTGCGATGGACTATT-3'
Protein context (NP_002993.1, residues 64-84): LHWTSERVVS[Val74Ile]LLLGLLPAAY